The following is an entry in ClinVar:

ClinVar aggregate classification (germline): Conflicting classifications of pathogenicity. Review status: criteria provided, conflicting classifications (1 of 4 stars). 4 submissions from 4 submitters: Uncertain significance (3); Likely benign (1). Last evaluated 2025-01-03.

Allele frequency attached by ClinVar (database versions not stated): 1000 Genomes Project below 0.00001; TOPMed 0.00024; ESP Exome Variant Server 0.00031; gnomAD 0.00045; 1000 Genomes Project 30x 0.00047.
gnomAD v4.1: 632 of 1,613,690 alleles (0.039%); highest among the groups gnomAD compares: Non-Finnish European, 0.044%; no homozygotes.

Submissions (4):

ARUP Laboratories, Molecular Genetics and Genomics, ARUP Laboratories
Classification: Uncertain significance. Last evaluated: 2025-01-03. Review status: criteria provided, single submitter. Criteria: ARUP Molecular Germline Variant Investigation Process 2024. Collection method: clinical testing. Allele origin: germline.
Comment: The SPTB c.5942G>A; p.Arg1981His variant (rs146513976, ClinVar Variation ID 618394) is reported in the literature in an individual with reticulocytosis (Vives-Corrons 2021). This variant is found in the general population with an overall allele frequency of 0.04% (120/282528 alleles) in the Genome Aggregation Database (v2.1.1). Computational analyses predict that this variant is neutral (REVEL: 0.077). While the high population frequency suggests that this is likely a benign variant, given the lack of clinical and functional data, the significance of this variant is uncertain at this time.

Labcorp Genetics (formerly Invitae), Labcorp
Classification: Likely benign. Last evaluated: 2024-08-02. Review status: criteria provided, single submitter. Criteria: Invitae Variant Classification Sherloc (09022015). Collection method: clinical testing. Allele origin: germline.

Mayo Clinic Laboratories, Mayo Clinic
Classification: Uncertain significance. Last evaluated: 2024-01-23. Review status: criteria provided, single submitter. Criteria: ACMG Guidelines, 2015. Collection method: clinical testing. Allele origin: germline. Observed: 1 variant allele.
Comment: BP4

GeneDx
Classification: Uncertain significance. Last evaluated: 2023-07-27. Review status: criteria provided, single submitter. Criteria: GeneDx Variant Classification Process June 2021. Collection method: clinical testing. Allele origin: germline. Affected: yes.
Comment: In silico analysis supports that this missense variant does not alter protein structure/function; This variant is associated with the following publications: (PMID: 33074480)

Literature cited by the submitters: PubMed 33074480 (cited by Mayo Clinic Laboratories, Mayo Clinic).

NM_001355436.2(SPTB):c.5942G>A (p.Arg1981His)

Gene: SPTB (spectrin beta, erythrocytic; minus strand). Cytogenetic location: 14q23.3.
Variant type: single nucleotide variant.
Coding change: c.5942G>A on transcript NM_001355436.2 (MANE Select); coding-DNA position 5942, G replaced by A.
Protein change: p.Arg1981His; replaces arginine 1981 with histidine.
Molecular consequence: missense variant.
Genome position (GRCh38, 1-based): chr14:64,769,114, C>T on the plus strand (G>A on the coding strand, the complement: SPTB is on the minus strand). VCF-style: chr14-64769114-C-T. GRCh37 (hg19) VCF-style: chr14-65235832-C-T.
Other names: NM_000347.5:c.5942G>A; c.5942G>A, p.Arg1981His (NM_001024858.4, NM_001355437.2); short protein forms R1981H.
Identifiers: ClinVar variation 618394 (VCV000618394.15), dbSNP rs146513976, ClinGen allele CA7229801.